The following is an entry in ClinVar:

NM_004700.4(KCNQ4):c.480C>G (p.Tyr160Ter)

Gene: KCNQ4 (potassium voltage-gated channel subfamily Q member 4; plus strand). Cytogenetic location: 1p34.2.
Variant type: single nucleotide variant.
Coding change: c.480C>G on transcript NM_004700.4 (MANE Select); coding-DNA position 480, C replaced by G.
Protein change: p.Tyr160Ter; replaces tyrosine 160 with a stop codon.
Molecular consequence: nonsense.
Genome position (GRCh38, 1-based): chr1:40,818,238, C>G. VCF-style: chr1-40818238-C-G. GRCh37 (hg19) VCF-style: chr1-41283910-C-G.
Other names: c.480C>G, p.Tyr160Ter (NM_172163.3); short protein forms Y160*.
Identifiers: ClinVar variation 2978740 (VCV002978740.3), dbSNP rs1391059122, ClinGen allele CA339893850.

ClinVar aggregate classification (germline): Pathogenic (1 of 4 stars; one submission).

Allele frequency attached by ClinVar (database versions not stated): gnomAD exomes below 0.00001.

Submission:

Labcorp Genetics (formerly Invitae), Labcorp
Classification: Pathogenic. Last evaluated: 2023-02-16. Review status: criteria provided, single submitter. Criteria: Invitae Variant Classification Sherloc (09022015). Collection method: clinical testing. Allele origin: germline.
Comment: This sequence change creates a premature translational stop signal (p.Tyr160*) in the KCNQ4 gene. It is expected to result in an absent or disrupted protein product. Loss-of-function variants in KCNQ4 are known to be pathogenic (PMID: 23717403). This variant is present in population databases (no rsID available, gnomAD 0.0009%). This variant has not been reported in the literature in individuals affected with KCNQ4-related conditions. For these reasons, this variant has been classified as Pathogenic.

Literature cited by the submitters: PubMed 23717403.